The following is an entry in ClinVar:

ClinVar aggregate classification (germline): Uncertain significance (1 of 4 stars; one submission).

Allele frequency attached by ClinVar (database versions not stated): gnomAD exomes below 0.00001.
gnomAD v4.1: 5 of 1,431,830 alleles (0.00035%); highest among the groups gnomAD compares: African/African-American, 0.0015%; no homozygotes.

Submission:

Labcorp Genetics (formerly Invitae), Labcorp
Classification: Uncertain significance. Last evaluated: 2023-06-27. Review status: criteria provided, single submitter. Criteria: Invitae Variant Classification Sherloc (09022015). Collection method: clinical testing. Allele origin: germline.
Comment: In summary, the available evidence is currently insufficient to determine the role of this variant in disease. Therefore, it has been classified as a Variant of Uncertain Significance. Advanced modeling of protein sequence and biophysical properties (such as structural, functional, and spatial information, amino acid conservation, physicochemical variation, residue mobility, and thermodynamic stability) performed at Invitae indicates that this missense variant is not expected to disrupt ARID1A protein function. This variant has not been reported in the literature in individuals affected with ARID1A-related conditions. This variant is not present in population databases (gnomAD no frequency). This sequence change replaces alanine, which is neutral and non-polar, with valine, which is neutral and non-polar, at codon 259 of the ARID1A protein (p.Ala259Val).

NM_006015.6(ARID1A):c.776C>T (p.Ala259Val)

Genes: ARID1A (AT-rich interaction domain 1A; plus strand), LOC129929837 (ATAC-STARR-seq lymphoblastoid silent region 489; plus strand). Cytogenetic location: 1p36.11.
Variant type: single nucleotide variant.
Coding change: c.776C>T on transcript NM_006015.6 (MANE Select); coding-DNA position 776, C replaced by T.
Protein change: p.Ala259Val; replaces alanine 259 with valine.
Molecular consequence: missense variant.
Genome position (GRCh38, 1-based): chr1:26,697,179, C>T. VCF-style: chr1-26697179-C-T. GRCh37 (hg19) VCF-style: chr1-27023670-C-T.
Other names: c.776C>T, p.Ala259Val (NM_139135.4); short protein forms A259V.
Identifiers: ClinVar variation 2795976 (VCV002795976.3), dbSNP rs2124743500, ClinGen allele CA339266372.